The following is an entry in ClinVar:

NM_057176.3(BSND):c.364A>G (p.Met122Val)

Gene: BSND (barttin CLCNK type accessory subunit beta; plus strand). Cytogenetic location: 1p32.3.
Variant type: single nucleotide variant.
Coding change: c.364A>G on transcript NM_057176.3 (MANE Select); coding-DNA position 364, A replaced by G.
Protein change: p.Met122Val; replaces methionine 122 with valine.
Molecular consequence: missense variant.
Genome position (GRCh38, 1-based): chr1:55,007,088, A>G. VCF-style: chr1-55007088-A-G. GRCh37 (hg19) VCF-style: chr1-55472761-A-G.
Other names: short protein forms M122V.
Identifiers: ClinVar variation 2083634 (VCV002083634.2), dbSNP rs765020008, ClinGen allele CA871315.

ClinVar aggregate classification (germline): Uncertain significance (1 of 4 stars; one submission).

Allele frequency attached by ClinVar (database versions not stated): ExAC 0.00001; gnomAD 0.00001; gnomAD exomes 0.00001; TOPMed 0.00002.

Submission:

Labcorp Genetics (formerly Invitae), Labcorp
Classification: Uncertain significance. Last evaluated: 2025-06-12. Review status: criteria provided, single submitter. Criteria: Invitae Variant Classification Sherloc (09022015). Collection method: clinical testing. Allele origin: germline.
Comment: This sequence change replaces methionine, which is neutral and non-polar, with valine, which is neutral and non-polar, at codon 122 of the BSND protein (p.Met122Val). This variant is present in population databases (rs765020008, gnomAD 0.007%). This variant has not been reported in the literature in individuals affected with BSND-related conditions. ClinVar contains an entry for this variant (Variation ID: 2083634). Invitae Evidence Modeling of protein sequence and biophysical properties (such as structural, functional, and spatial information, amino acid conservation, physicochemical variation, residue mobility, and thermodynamic stability) has been performed for this missense variant. However, the output from this modeling did not meet the statistical confidence thresholds required to predict the impact of this variant on BSND protein function. In summary, the available evidence is currently insufficient to determine the role of this variant in disease. Therefore, it has been classified as a Variant of Uncertain Significance.